The following is an entry in ClinVar:

ClinVar aggregate classification (germline): Uncertain significance (1 of 4 stars; one submission).

gnomAD v4.1: 4 of 1,613,018 alleles (0.00025%); highest among the groups gnomAD compares: Non-Finnish European, 0.00034%; no homozygotes.

Submission:

Labcorp Genetics (formerly Invitae), Labcorp
Classification: Uncertain significance. Last evaluated: 2022-07-06. Review status: criteria provided, single submitter. Criteria: Invitae Variant Classification Sherloc (09022015). Collection method: clinical testing. Allele origin: germline.
Comment: This variant is not present in population databases (gnomAD no frequency). In summary, the available evidence is currently insufficient to determine the role of this variant in disease. Therefore, it has been classified as a Variant of Uncertain Significance. Algorithms developed to predict the effect of missense changes on protein structure and function are either unavailable or do not agree on the potential impact of this missense change (SIFT: "Deleterious"; PolyPhen-2: "Benign"; Align-GVGD: "Class C0"). ClinVar contains an entry for this variant (Variation ID: 1349282). This variant has not been reported in the literature in individuals affected with SLC39A7-related conditions. This sequence change replaces serine, which is neutral and polar, with phenylalanine, which is neutral and non-polar, at codon 218 of the SLC39A7 protein (p.Ser218Phe).

NM_006979.3(SLC39A7):c.653C>T (p.Ser218Phe)

Gene: SLC39A7 (solute carrier family 39 member 7; plus strand). Cytogenetic location: 6p21.32.
Variant type: single nucleotide variant.
Coding change: c.653C>T on transcript NM_006979.3 (MANE Select); coding-DNA position 653, C replaced by T.
Protein change: p.Ser218Phe; replaces serine 218 with phenylalanine.
Molecular consequence: missense variant.
Genome position (GRCh38, 1-based): chr6:33,202,281, C>T. VCF-style: chr6-33202281-C-T. GRCh37 (hg19) VCF-style: chr6-33170058-C-T.
Other names: c.653C>T, p.Ser218Phe (NM_001077516.2); c.278C>T, p.Ser93Phe (NM_001288777.2); short protein forms S218F, S93F.
Identifiers: ClinVar variation 1349282 (VCV001349282.8), dbSNP rs2150684450, ClinGen allele CA363642127.